The following is an entry in ClinVar:

NM_057088.3(KRT3):c.1699G>C (p.Gly567Arg)

Gene: KRT3 (keratin 3; minus strand). Cytogenetic location: 12q13.13.
Variant type: single nucleotide variant.
Coding change: c.1699G>C on transcript NM_057088.3 (MANE Select); coding-DNA position 1699, G replaced by C.
Protein change: p.Gly567Arg; replaces glycine 567 with arginine.
Molecular consequence: missense variant.
Genome position (GRCh38, 1-based): chr12:52,790,230, C>G on the plus strand (G>C on the coding strand, the complement: KRT3 is on the minus strand). VCF-style: chr12-52790230-C-G. GRCh37 (hg19) VCF-style: chr12-53184014-C-G.
Other names: short protein forms G567R.
Identifiers: ClinVar variation 4803717 (VCV004803717.1).

ClinVar aggregate classification (germline): Uncertain significance (1 of 4 stars; one submission).

Submission:

Labcorp Genetics (formerly Invitae), Labcorp
Classification: Uncertain significance. Last evaluated: 2025-09-30. Review status: criteria provided, single submitter. Criteria: Invitae Variant Classification Sherloc (09022015). Collection method: clinical testing. Allele origin: germline.
Comment: This sequence change replaces glycine, which is neutral and non-polar, with arginine, which is basic and polar, at codon 567 of the KRT3 protein (p.Gly567Arg). This variant is present in population databases (rs764554987, gnomAD 0.03%), and has an allele count higher than expected for a pathogenic variant. This variant has not been reported in the literature in individuals affected with KRT3-related conditions. Invitae Evidence Modeling of protein sequence and biophysical properties (such as structural, functional, and spatial information, amino acid conservation, physicochemical variation, residue mobility, and thermodynamic stability) indicates that this missense variant is not expected to disrupt KRT3 protein function with a negative predictive value of 80%. In summary, the available evidence is currently insufficient to determine the role of this variant in disease. Therefore, it has been classified as a Variant of Uncertain Significance.